The following is an entry in ClinVar:

NM_016222.4(DDX41):c.100del (p.Val34fs)

Gene: DDX41 (DEAD-box helicase 41; minus strand). Cytogenetic location: 5q35.3.
Variant type: Deletion.
Coding change: c.100del on transcript NM_016222.4 (MANE Select); coding-DNA position 100, one base deleted (G; older notation c.100delG).
Protein change: p.Val34fs; shifts the reading frame from valine 34.
Molecular consequence: frameshift variant. On other transcripts: 5 prime UTR variant (2).
Genome position (GRCh38, 1-based): chr5:177,516,763, C deleted on the plus strand (G on the coding strand, the reverse complement: DDX41 is on the minus strand). VCF-style (leftmost placement, unchanged base first): chr5-177516762-AC-A. GRCh37 (hg19) VCF-style: chr5-176943763-AC-A.
Other names: c.-556del (NM_001321732.2); c.-348del (NM_001321830.2); short protein forms V34fs.
Identifiers: ClinVar variation 4238786 (VCV004238786.1).

ClinVar aggregate classification (germline): Likely pathogenic (1 of 4 stars; one submission).

Conditions:
Inborn genetic diseases. Identifiers: MedGen C0950123, MeSH D030342.

Submission:

Ambry Genetics
Classification: Likely pathogenic for Inborn genetic diseases. Last evaluated: 2025-08-06. Review status: criteria provided, single submitter. Criteria: Ambry Variant Classification Scheme 2023. Collection method: clinical testing. Allele origin: germline.
Comment: The c.100delG variant, located in coding exon 2 of the DDX41 gene, results from a deletion of one nucleotide at nucleotide position 100, causing a translational frameshift with a predicted alternate stop codon (p.V34Cfs*46). The predicted stop codon occurs in the 5&rsquo; end of theDDX41 gene. Premature termination codons in the 5&rsquo; end of a gene have been reported to escape nonsense-mediated mRNAdecay and/or lead to re-initiation (Rivas et al. Science. 2015 May 8;348(6235):666-9; Lindeboom et al. Nat Genet. 2016 Oct;48(10):1112-8; Rhee et al. Sci Rep. 2017 May 10;7(1):1653). Direct evidence for this alteration is unavailable, however premature termination codons are typically deleterious in nature. This variant is considered to be rare based on population cohorts in the Genome Aggregation Database (gnomAD). Based on the majority of available evidence to date, this variant is likely to be pathogenic.